The following is an entry in ClinVar:

NM_001032386.2(SUOX):c.582T>G (p.Phe194Leu)

Gene: SUOX (sulfite oxidase; plus strand). Cytogenetic location: 12q13.2.
Variant type: single nucleotide variant.
Coding change: c.582T>G on transcript NM_001032386.2 (MANE Select); coding-DNA position 582, T replaced by G.
Protein change: p.Phe194Leu; replaces phenylalanine 194 with leucine.
Molecular consequence: missense variant.
Genome position (GRCh38, 1-based): chr12:56,003,971, T>G. VCF-style: chr12-56003971-T-G. GRCh37 (hg19) VCF-style: chr12-56397755-T-G.
Other names: c.582T>G (NM_000456.2); c.582T>G, p.Phe194Leu (NM_000456.3, NM_001032387.2); short protein forms F194L.
Identifiers: ClinVar variation 1512607 (VCV001512607.7), dbSNP rs149668783, ClinGen allele CA6621007.

ClinVar aggregate classification (germline): Uncertain significance. Review status: criteria provided, multiple submitters, no conflicts (2 of 4 stars). 2 submissions from 2 submitters: Uncertain significance (2). Last evaluated 2024-05-09.

Conditions:
Sulfite oxidase deficiency. Also called: Isolated sulfite oxidase deficiency. Identifiers: Orphanet 833, Orphanet 99731, MedGen C0268624, MONDO:0010089, OMIM 272300, HP:0003643.
Inborn genetic diseases. Identifiers: MedGen C0950123, MeSH D030342.

Allele frequency attached by ClinVar (database versions not stated): gnomAD exomes below 0.00001 and 0.00002; ExAC 0.00001; gnomAD 0.00004; TOPMed 0.00006; ESP Exome Variant Server 0.00008.
gnomAD v4.1: 11 of 1,614,048 alleles (0.00068%); highest among the groups gnomAD compares: African/African-American, 0.015%; no homozygotes.

Submissions (2):

Ambry Genetics
Classification: Uncertain significance for Inborn genetic diseases. Last evaluated: 2024-05-09. Review status: criteria provided, single submitter. Criteria: Ambry Variant Classification Scheme 2023. Collection method: clinical testing. Allele origin: germline.

Labcorp Genetics (formerly Invitae), Labcorp
Classification: Uncertain significance for Sulfite oxidase deficiency. Last evaluated: 2022-10-17. Review status: criteria provided, single submitter. Criteria: Invitae Variant Classification Sherloc (09022015). Collection method: clinical testing. Allele origin: germline.
Comment: This sequence change replaces phenylalanine, which is neutral and non-polar, with leucine, which is neutral and non-polar, at codon 194 of the SUOX protein (p.Phe194Leu). This variant is present in population databases (rs149668783, gnomAD 0.02%). This variant has not been reported in the literature in individuals affected with SUOX-related conditions. ClinVar contains an entry for this variant (Variation ID: 1512607). Advanced modeling of protein sequence and biophysical properties (such as structural, functional, and spatial information, amino acid conservation, physicochemical variation, residue mobility, and thermodynamic stability) performed at Invitae indicates that this missense variant is not expected to disrupt SUOX protein function. In summary, the available evidence is currently insufficient to determine the role of this variant in disease. Therefore, it has been classified as a Variant of Uncertain Significance.